The following is an entry in ClinVar:

NM_004646.4(NPHS1):c.2686C>T (p.Gln896Ter)

Gene: NPHS1 (NPHS1 adhesion molecule, nephrin; minus strand). Cytogenetic location: 19q13.12.
Variant type: single nucleotide variant.
Coding change: c.2686C>T on transcript NM_004646.4 (MANE Select); coding-DNA position 2686, C replaced by T.
Protein change: p.Gln896Ter; replaces glutamine 896 with a stop codon.
Molecular consequence: nonsense.
Genome position (GRCh38, 1-based): chr19:35,841,844, G>A on the plus strand (C>T on the coding strand, the complement: NPHS1 is on the minus strand). VCF-style: chr19-35841844-G-A. GRCh37 (hg19) VCF-style: chr19-36332746-G-A.
Other names: c.2686C>T (NM_004646.3); short protein forms Q896*.
Identifiers: ClinVar variation 1073228 (VCV001073228.9), dbSNP rs771594710, ClinGen allele CA405390513.

ClinVar aggregate classification (germline): Pathogenic/Likely pathogenic. Review status: criteria provided, multiple submitters, no conflicts (2 of 4 stars). 2 submissions from 2 submitters: Pathogenic (1); Likely pathogenic (1). Last evaluated 2024-05-22.

Conditions:
Finnish congenital nephrotic syndrome (NPHS1). Also called: NEPHROTIC SYNDROME, TYPE 1. Identifiers: Orphanet 839, MedGen C0403399, MONDO:0009732, OMIM 256300.

Submissions (2):

Natera, Inc.
Classification: Likely pathogenic for Finnish congenital nephrotic syndrome. Last evaluated: 2024-05-22. Review status: criteria provided, single submitter. Criteria: Natera Variant Classification Schema (03/2026). Collection method: clinical testing. Allele origin: germline.
Comment: The c.2686C>T variant in NPHS1 is a nonsense variant predicted to introduce a stop codon at amino acid 896. This variant is expected to result in nonsense mediated decay, truncation, or a dysfunctional protein product. This variant is rare in the general population with a frequency below the threshold expected for the associated phenotype(s). Given the available evidence, this variant is classified as Likely Pathogenic.

Labcorp Genetics (formerly Invitae), Labcorp
Classification: Pathogenic. Last evaluated: 2022-02-05. Review status: criteria provided, single submitter. Criteria: Invitae Variant Classification Sherloc (09022015). Collection method: clinical testing. Allele origin: germline.
Comment: This sequence change creates a premature translational stop signal (p.Gln896*) in the NPHS1 gene. It is expected to result in an absent or disrupted protein product. Loss-of-function variants in NPHS1 are known to be pathogenic (PMID: 11317351, 11854170, 12039988). This variant is not present in population databases (gnomAD no frequency). This variant has not been reported in the literature in individuals affected with NPHS1-related conditions. ClinVar contains an entry for this variant (Variation ID: 1073228). For these reasons, this variant has been classified as Pathogenic.

Literature cited by the submitters: PubMed 11317351 (cited by Labcorp Genetics (formerly Invitae), Labcorp); PubMed 11854170 (cited by Labcorp Genetics (formerly Invitae), Labcorp); PubMed 12039988 (cited by Labcorp Genetics (formerly Invitae), Labcorp).